The following is an entry in ClinVar:

ClinVar aggregate classification (germline): Likely benign (1 of 4 stars; one submission).

gnomAD v4.1: 1,251 of 1,516,524 alleles (0.082%); highest among the groups gnomAD compares: African/African-American, 1.1%; 7 homozygotes.

Submission:

CeGaT Center for Human Genetics Tuebingen
Classification: Likely benign. Last evaluated: 2025-06-01. Review status: criteria provided, single submitter. Criteria: CeGaT Center For Human Genetics Tuebingen Variant Classification Criteria Version 2. Collection method: clinical testing. Allele origin: germline. Affected: yes. Observed: 2 variant alleles.
Comment: EPG5: BS1; SIGLEC15: BP4, BS1

NM_213602.3(SIGLEC15):c.128G>T (p.Arg43Leu)

Genes: EPG5 (ectopic P-granules 5 autophagy tethering factor; minus strand), SIGLEC15 (sialic acid binding Ig like lectin 15; plus strand). Cytogenetic location: 18q12.3.
Variant type: single nucleotide variant.
Coding change: c.128G>T on transcript NM_213602.3 (MANE Select); coding-DNA position 128, G replaced by T.
Protein change: p.Arg43Leu; replaces arginine 43 with leucine.
Molecular consequence: missense variant. On other transcripts: intron variant (1).
Genome position (GRCh38, 1-based): chr18:45,837,528, G>T. VCF-style: chr18-45837528-G-T. GRCh37 (hg19) VCF-style: chr18-43417493-G-T.
Other names: c.7557+18045C>A (NM_001410858.1); short protein forms R43L.
Identifiers: ClinVar variation 3388399 (VCV003388399.14).